The following is an entry in ClinVar:

NM_006941.4(SOX10):c.240C>G (p.Leu80=)

Genes: POLR2F (RNA polymerase II, I and III subunit F; plus strand), SOX10 (SRY-box transcription factor 10; minus strand). Cytogenetic location: 22q13.1.
Variant type: single nucleotide variant.
Coding change: c.240C>G on transcript NM_006941.4 (MANE Select); coding-DNA position 240, C replaced by G.
Protein change: p.Leu80=; no amino-acid change (leucine 80 retained).
Molecular consequence: synonymous variant. On other transcripts: intron variant (3).
Genome position (GRCh38, 1-based): chr22:37,983,545, G>C on the plus strand (C>G on the coding strand, the complement: SOX10 is on the minus strand). VCF-style: chr22-37983545-G-C. GRCh37 (hg19) VCF-style: chr22-38379552-G-C.
Other names: c.293+16375G>C (NM_001301131.2); c.*38+11235G>C (NM_001363825.1); c.294-2609G>C (NM_001301130.2).
Identifiers: ClinVar variation 3702648 (VCV003702648.3).
Genomic context (GRCh38, chr22:37,983,545, plus strand): 5'-GCTTTTGCTGGCGCCGTTGACGCGCACGGGCATGGGCACCAGCGTCCAGTCGTAGCCGCT[G>C]AGCACCTGGCTGACGGCCTCGCGGATGCACACGGGGAACTTGTCATCGTCCGCCTCGCCG-3'
Protein context (NP_008872.1, residues 70-90): VCIREAVSQV[Leu80=]SGYDWTLVPM

ClinVar aggregate classification (germline): Likely benign. Review status: criteria provided, multiple submitters, no conflicts (2 of 4 stars). 2 submissions from 2 submitters: Likely benign (2). Last evaluated 2025-09-10.

Conditions:
SOX10-related disorder. Also called: SOX10-related condition.

gnomAD v4.1: 6 of 1,610,520 alleles (0.00037%); highest among the groups gnomAD compares: Admixed American, 0.0033%; no homozygotes.

Submissions (2):

PreventionGenetics, part of Exact Sciences
Classification: Likely benign for SOX10-related condition. Last evaluated: 2025-09-10. Review status: criteria provided, single submitter. Criteria: ACMG Guidelines, 2015. Collection method: clinical testing. Allele origin: germline.
Comment: This variant is classified as likely benign based on ACMG/AMP sequence variant interpretation guidelines (Richards et al. 2015 PMID: 25741868, with internal and published modifications).

Labcorp Genetics (formerly Invitae), Labcorp
Classification: Likely benign. Last evaluated: 2024-06-20. Review status: criteria provided, single submitter. Criteria: Invitae Variant Classification Sherloc (09022015). Collection method: clinical testing. Allele origin: germline.